The following is an entry in ClinVar:

NM_002048.3(GAS1):c.396G>T (p.Gln132His)

Gene: GAS1 (growth arrest specific 1; minus strand). Cytogenetic location: 9q21.33.
Variant type: single nucleotide variant.
Coding change: c.396G>T on transcript NM_002048.3 (MANE Select); coding-DNA position 396, G replaced by T.
Protein change: p.Gln132His; replaces glutamine 132 with histidine.
Molecular consequence: missense variant.
Genome position (GRCh38, 1-based): chr9:86,946,384, C>A on the plus strand (G>T on the coding strand, the complement: GAS1 is on the minus strand). VCF-style: chr9-86946384-C-A. GRCh37 (hg19) VCF-style: chr9-89561299-C-A.
Other names: short protein forms Q132H.
Identifiers: ClinVar variation 2738413 (VCV002738413.3), dbSNP rs759982942, ClinGen allele CA5109451.

ClinVar aggregate classification (germline): Uncertain significance (1 of 4 stars; one submission).

Allele frequency attached by ClinVar (database versions not stated): ExAC 0.00018; TOPMed 0.00020; gnomAD 0.00028.
gnomAD v4.1: 693 of 1,480,408 alleles (0.047%); highest among the groups gnomAD compares: Non-Finnish European, 0.059%; no homozygotes.

Submission:

Labcorp Genetics (formerly Invitae), Labcorp
Classification: Uncertain significance. Last evaluated: 2024-11-27. Review status: criteria provided, single submitter. Criteria: Invitae Variant Classification Sherloc (09022015). Collection method: clinical testing. Allele origin: germline.
Comment: This sequence change replaces glutamine, which is neutral and polar, with histidine, which is basic and polar, at codon 132 of the GAS1 protein (p.Gln132His). This variant is present in population databases (rs759982942, gnomAD 0.09%), and has an allele count higher than expected for a pathogenic variant. This variant has not been reported in the literature in individuals affected with GAS1-related conditions. ClinVar contains an entry for this variant (Variation ID: 2738413). An algorithm developed to predict the effect of missense changes on protein structure and function (PolyPhen-2) suggests that this variant is likely to be tolerated. In summary, the available evidence is currently insufficient to determine the role of this variant in disease. Therefore, it has been classified as a Variant of Uncertain Significance.